The following is an entry in ClinVar:

ClinVar aggregate classification (germline): Benign/Likely benign. Review status: criteria provided, multiple submitters, no conflicts (2 of 4 stars). 3 submissions from 3 submitters: Benign (1); Likely benign (2). Last evaluated 2025-01-06.

Conditions:
Familial cancer of breast. Also called: hereditary breast carcinoma; BREAST CANCER, FAMILIAL; Hereditary breast cancer. Identifiers: Orphanet 227535, MedGen C0346153, MONDO:0016419, OMIM 114480. Disease mechanism: loss of function.
Hereditary cancer-predisposing syndrome. Also called: Hereditary neoplastic syndrome; Neoplastic Syndromes, Hereditary; Tumor predisposition; Hereditary Cancer Syndrome. Identifiers: Orphanet 140162, MedGen C0027672, MeSH D009386, MONDO:0015356.

gnomAD v4.1: 1 of 1,612,482 alleles (0.000062%); no homozygotes.

Submissions (3):

Labcorp Genetics (formerly Invitae), Labcorp
Classification: Likely benign for Familial cancer of breast. Last evaluated: 2025-01-06. Review status: criteria provided, single submitter. Criteria: Invitae Variant Classification Sherloc (09022015). Collection method: clinical testing. Allele origin: germline.

Myriad Genetics, Inc.
Classification: Benign for Familial cancer of breast. Last evaluated: 2024-07-18. Review status: criteria provided, single submitter. Criteria: Myriad Autosomal Dominant, Autosomal Recessive and X-Linked Classification Criteria (2023). Collection method: clinical testing. Allele origin: unknown.
Comment: This variant is considered benign. This variant is a silent/synonymous amino acid change and it is not expected to impact splicing.

Ambry Genetics
Classification: Likely benign for Hereditary cancer-predisposing syndrome. Last evaluated: 2021-01-05. Review status: criteria provided, single submitter. Criteria: Ambry Variant Classification Scheme 2023. Collection method: clinical testing. Allele origin: germline.

NM_000465.4(BARD1):c.144G>T (p.Leu48=)

Gene: BARD1 (BRCA1 associated RING domain 1; minus strand). Cytogenetic location: 2q35.
Variant type: single nucleotide variant.
Coding change: c.144G>T on transcript NM_000465.4 (MANE Select); coding-DNA position 144, G replaced by T.
Protein change: p.Leu48=; no amino-acid change (leucine 48 retained).
Molecular consequence: synonymous variant. On other transcripts: non-coding transcript variant (3).
Genome position (GRCh38, 1-based): chr2:214,809,426, C>A on the plus strand (G>T on the coding strand, the complement: BARD1 is on the minus strand). VCF-style: chr2-214809426-C-A. GRCh37 (hg19) VCF-style: chr2-215674150-C-A.
Other names: c.144G>T, p.Leu48= (NM_001282543.2, NM_001282545.2, NM_001282548.2 and 1 more transcripts).
Identifiers: ClinVar variation 1145605 (VCV001145605.13), dbSNP rs151168457, ClinGen allele CA350464799.
Genomic context (GRCh38, chr2:214,809,426, plus strand): 5'-TGCGACCCGTGCCCTCGCAGCCACCCCCAAGAAGCTCCGTCTTTACCAACGCGAGCAGCG[C>A]AGCAGCTTCTCCAGGCGGTCGAGCGCGGCGCGACTGTGGGCCCAGGCACCGCGACCATCC-3'
Protein context (NP_000456.2, residues 38-58): RAALDRLEKL[Leu48=]RCSRCTNILR